The following is an entry in ClinVar:

ClinVar aggregate classification (germline): Uncertain significance. Review status: criteria provided, multiple submitters, no conflicts (2 of 4 stars). 2 submissions from 2 submitters: Uncertain significance (2). Last evaluated 2026-07-20.

Conditions:
Gastrointestinal stromal tumor. Also called: Gastrointestinal stroma tumor; Gastrointestinal stromal tumor, somatic. Identifiers: Orphanet 44890, MedGen C0238198, MeSH D046152, MONDO:0011719, OMIM 606764, HP:0100723.
Hereditary cancer-predisposing syndrome. Also called: Hereditary neoplastic syndrome; Neoplastic Syndromes, Hereditary; Tumor predisposition; Hereditary Cancer Syndrome. Identifiers: Orphanet 140162, MedGen C0027672, MeSH D009386, MONDO:0015356.

Submissions (2):

Ambry Genetics
Classification: Uncertain significance for Hereditary cancer-predisposing syndrome. Last evaluated: 2026-07-20. Review status: criteria provided, single submitter. Criteria: Ambry Variant Classification Scheme 2023. Collection method: clinical testing. Allele origin: germline.
Comment: The p.V395G variant (also known as c.1184T>G), located in coding exon 7 of the PDGFRA gene, results from a T to G substitution at nucleotide position 1184. The valine at codon 395 is replaced by glycine, an amino acid with dissimilar properties. This amino acid position is conserved. In addition, this alteration is predicted to be tolerated by in silico analysis. Based on the available evidence, the clinical significance of this variant remains unclear.

Labcorp Genetics (formerly Invitae), Labcorp
Classification: Uncertain significance for Gastrointestinal stromal tumor. Last evaluated: 2022-02-02. Review status: criteria provided, single submitter. Criteria: Invitae Variant Classification Sherloc (09022015). Collection method: clinical testing. Allele origin: germline.
Comment: In summary, the available evidence is currently insufficient to determine the role of this variant in disease. Therefore, it has been classified as a Variant of Uncertain Significance. Algorithms developed to predict the effect of missense changes on protein structure and function (SIFT, PolyPhen-2, Align-GVGD) all suggest that this variant is likely to be tolerated. This variant has not been reported in the literature in individuals affected with PDGFRA-related conditions. This variant is not present in population databases (gnomAD no frequency). This sequence change replaces valine, which is neutral and non-polar, with glycine, which is neutral and non-polar, at codon 395 of the PDGFRA protein (p.Val395Gly).

NM_006206.6(PDGFRA):c.1184T>G (p.Val395Gly)

Gene: PDGFRA (platelet derived growth factor receptor alpha; plus strand). Cytogenetic location: 4q12.
Variant type: single nucleotide variant.
Coding change: c.1184T>G on transcript NM_006206.6 (MANE Select); coding-DNA position 1184, T replaced by G.
Protein change: p.Val395Gly; replaces valine 395 with glycine.
Molecular consequence: missense variant.
Genome position (GRCh38, 1-based): chr4:54,270,695, T>G. VCF-style: chr4-54270695-T-G. GRCh37 (hg19) VCF-style: chr4-55136862-T-G.
Other names: c.1184T>G, p.Val395Gly (NM_001347827.2, NM_001347829.2); c.1259T>G, p.Val420Gly (NM_001347828.2); c.1223T>G, p.Val408Gly (NM_001347830.2); short protein forms V395G, V408G, V420G.
Identifiers: ClinVar variation 1955764 (VCV001955764.6), dbSNP rs1252610121, ClinGen allele CA356892003.